The following is an entry in ClinVar:

NM_002471.4(MYH6):c.3909G>C (p.Leu1303=)

Gene: MYH6 (myosin heavy chain 6; minus strand). Cytogenetic location: 14q11.2.
Variant type: single nucleotide variant.
Coding change: c.3909G>C on transcript NM_002471.4 (MANE Select); coding-DNA position 3909, G replaced by C.
Protein change: p.Leu1303=; no amino-acid change (leucine 1303 retained).
Molecular consequence: synonymous variant.
Genome position (GRCh38, 1-based): chr14:23,389,462, C>G on the plus strand (G>C on the coding strand, the complement: MYH6 is on the minus strand). VCF-style: chr14-23389462-C-G. GRCh37 (hg19) VCF-style: chr14-23858671-C-G.
Identifiers: ClinVar variation 705753 (VCV000705753.20), dbSNP rs572682388, ClinGen allele CA7115023.
Genomic context (GRCh38, chr14:23,389,462, plus strand): 5'-CTCCTCCAGCTGCCTTTTGAGGTCCTCCATTTGCTGGGTATAAGAGAGCTTCCCCCGGGT[C>G]AGCTGCGAGATTAGCGCCTCCTTTTCCTCTAGCTGCCGGGCCAACTCTCCTGGAGGTGAA-3'
Protein context (NP_002462.2, residues 1293-1313): LEEKEALISQ[Leu1303=]TRGKLSYTQQ

ClinVar aggregate classification (germline): Benign/Likely benign. Review status: criteria provided, multiple submitters, no conflicts (2 of 4 stars). 7 submissions from 7 submitters: Benign (1); Likely benign (4). 2 of the submissions do not count toward it. Last evaluated 2026-07-20.

Conditions:
MYH6-related disorder. Also called: MYH6-Related Disorders; MYH6-related condition.
Cardiovascular phenotype. Identifiers: MedGen CN230736.
Hypertrophic cardiomyopathy 14. Identifiers: MedGen C2750467, MONDO:0013197, OMIM 613251.

Allele frequency attached by ClinVar (database versions not stated): 1000 Genomes Project 0.00020; gnomAD 0.00001 and 0.00003; TOPMed 0.00002; gnomAD exomes 0.00006; ExAC 0.00009; 1000 Genomes Project 30x 0.00016.
gnomAD v4.1: 74 of 1,614,210 alleles (0.0046%); highest among the groups gnomAD compares: South Asian, 0.051%; no homozygotes.

Submissions (7):

PreventionGenetics, part of Exact Sciences
Classification: Likely benign for MYH6-related condition. Last evaluated: 2026-07-20. Review status: criteria provided, single submitter. Criteria: ACMG Guidelines, 2015. Collection method: clinical testing. Allele origin: germline.
Comment: This variant is classified as likely benign based on ACMG/AMP sequence variant interpretation guidelines (Richards et al. 2015 PMID: 25741868, with internal and published modifications).

Ambry Genetics
Classification: Likely benign for Cardiovascular phenotype. Last evaluated: 2026-06-15. Review status: criteria provided, single submitter. Criteria: Ambry Variant Classification Scheme 2023. Collection method: clinical testing. Allele origin: germline.

Labcorp Genetics (formerly Invitae), Labcorp
Classification: Likely benign for Hypertrophic cardiomyopathy 14. Last evaluated: 2025-09-05. Review status: criteria provided, single submitter. Criteria: Invitae Variant Classification Sherloc (09022015). Collection method: clinical testing. Allele origin: germline.

Blueprint Genetics
Classification: Likely benign. Last evaluated: 2024-08-28. Review status: criteria provided, single submitter. Criteria: ACMG Guidelines, 2015. Collection method: clinical testing. Allele origin: germline.

Women's Health and Genetics/Laboratory Corporation of America, LabCorp
Classification: Benign. Last evaluated: 2019-11-02. Review status: criteria provided, single submitter. Criteria: LabCorp Variant Classification Summary - May 2015. Collection method: clinical testing. Allele origin: germline.

Clinical Genetics, Academic Medical Center
Classification: Benign. Review status: no assertion criteria provided. Collection method: clinical testing. Allele origin: germline. Affected: yes. Study: VKGL Data-share Consensus. Not counted in ClinVar's aggregate classification.

Diagnostic Laboratory, Department of Genetics, University Medical Center Groningen
Classification: Likely benign. Review status: no assertion criteria provided. Collection method: clinical testing. Allele origin: germline. Affected: yes. Study: VKGL Data-share Consensus. Not counted in ClinVar's aggregate classification.